The following is an entry in ClinVar:

NM_004519.4(KCNQ3):c.89G>C (p.Gly30Ala)

Gene: KCNQ3 (potassium voltage-gated channel subfamily Q member 3; minus strand). Cytogenetic location: 8q24.22.
Variant type: single nucleotide variant.
Coding change: c.89G>C on transcript NM_004519.4 (MANE Select); coding-DNA position 89, G replaced by C.
Protein change: p.Gly30Ala; replaces glycine 30 with alanine.
Molecular consequence: missense variant.
Genome position (GRCh38, 1-based): chr8:132,480,444, C>G on the plus strand (G>C on the coding strand, the complement: KCNQ3 is on the minus strand). VCF-style: chr8-132480444-C-G. GRCh37 (hg19) VCF-style: chr8-133492691-C-G.
Other names: short protein forms G30A.
Identifiers: ClinVar variation 1508168 (VCV001508168.8), dbSNP rs1346206352, ClinGen allele CA372292915.

ClinVar aggregate classification (germline): Uncertain significance (1 of 4 stars; one submission).

Conditions:
Benign neonatal seizures. Also called: Benign neonatal familial convulsions; Benign familial neonatal seizures; Convulsions benign familial neonatal dominant form; Autosomal dominant form of benign neonatal seizures; Benign familial neonatal epilepsy. Identifiers: Orphanet 1949, MedGen C0220669, MONDO:0016027.

Submission:

Labcorp Genetics (formerly Invitae), Labcorp
Classification: Uncertain significance for Benign neonatal seizures. Last evaluated: 2021-02-07. Review status: criteria provided, single submitter. Criteria: Invitae Variant Classification Sherloc (09022015). Collection method: clinical testing. Allele origin: germline.
Comment: In summary, the available evidence is currently insufficient to determine the role of this variant in disease. Therefore, it has been classified as a Variant of Uncertain Significance. Advanced modeling of protein sequence and biophysical properties (such as structural, functional, and spatial information, amino acid conservation, physicochemical variation, residue mobility, and thermodynamic stability) performed at Invitae indicates that this missense variant is not expected to disrupt KCNQ3 protein function. This variant has not been reported in the literature in individuals with KCNQ3-related conditions. The frequency data for this variant in the population databases is considered unreliable, as metrics indicate insufficient coverage at this position in the ExAC database. This sequence change replaces glycine with alanine at codon 30 of the KCNQ3 protein (p.Gly30Ala). The glycine residue is weakly conserved and there is a small physicochemical difference between glycine and alanine.